The following is an entry in ClinVar:

ClinVar aggregate classification (germline): Uncertain significance (1 of 4 stars; one submission).

Submission:

GeneDx
Classification: Uncertain significance. Last evaluated: 2022-08-02. Review status: criteria provided, single submitter. Criteria: GeneDx Variant Classification Process June 2021. Collection method: clinical testing. Allele origin: germline. Affected: yes.
Comment: Not observed at significant frequency in large population cohorts (gnomAD); In silico analysis supports that this missense variant does not alter protein structure/function; Has not been previously published as pathogenic or benign to our knowledge

NM_000052.7(ATP7A):c.839C>T (p.Thr280Ile)

Gene: ATP7A (ATPase copper transporting alpha; plus strand). Cytogenetic location: Xq21.1.
Variant type: single nucleotide variant.
Coding change: c.839C>T on transcript NM_000052.7 (MANE Select); coding-DNA position 839, C replaced by T.
Protein change: p.Thr280Ile; replaces threonine 280 with isoleucine.
Molecular consequence: missense variant.
Genome position (GRCh38, 1-based): chrX:77,989,461, C>T. VCF-style: chrX-77989461-C-T. GRCh37 (hg19) VCF-style: chrX-77244957-C-T.
Other names: c.839C>T, p.Thr280Ile (NM_001282224.2); short protein forms T280I.
Identifiers: ClinVar variation 2428805 (VCV002428805.3), dbSNP rs2522293429, ClinGen allele CA413601148.